The following is an entry in ClinVar:

ClinVar aggregate classification (germline): Likely benign (1 of 4 stars; one submission).

Allele frequency attached by ClinVar (database versions not stated): gnomAD exomes below 0.00001.
gnomAD v4.1: 5 of 1,613,740 alleles (0.00031%); highest among the groups gnomAD compares: East Asian, 0.0022%; no homozygotes.

Submission:

CeGaT Center for Human Genetics Tuebingen
Classification: Likely benign. Last evaluated: 2023-03-01. Review status: criteria provided, single submitter. Criteria: CeGaT Center For Human Genetics Tuebingen Variant Classification Criteria Version 2. Collection method: clinical testing. Allele origin: germline. Affected: yes. Observed: 1 variant allele.
Comment: AHNAK: BP4, BP7

NM_001620.3(AHNAK):c.12036C>T (p.Gly4012=)

Gene: AHNAK (AHNAK nucleoprotein; minus strand). Cytogenetic location: 11q12.3.
Variant type: single nucleotide variant.
Coding change: c.12036C>T on transcript NM_001620.3 (MANE Select); coding-DNA position 12036, C replaced by T.
Protein change: p.Gly4012=; no amino-acid change (glycine 4012 retained).
Molecular consequence: synonymous variant. On other transcripts: intron variant (1).
Genome position (GRCh38, 1-based): chr11:62,522,381, G>A on the plus strand (C>T on the coding strand, the complement: AHNAK is on the minus strand). VCF-style: chr11-62522381-G-A. GRCh37 (hg19) VCF-style: chr11-62289853-G-A.
Other names: c.12036C>T, p.Gly4012= (NM_001346445.2, NM_001346446.2); c.342+12622C>T (NM_024060.4).
Identifiers: ClinVar variation 2641868 (VCV002641868.24), dbSNP rs1210149981, ClinGen allele CA475119372.